The following is an entry in ClinVar:

ClinVar aggregate classification (germline): Uncertain significance (1 of 4 stars; one submission).

Allele frequency attached by ClinVar (database versions not stated): ExAC 0.00002; gnomAD exomes 0.00002; TOPMed 0.00003.
gnomAD v4.1: 34 of 1,614,092 alleles (0.0021%); highest among the groups gnomAD compares: Non-Finnish European, 0.0025%; no homozygotes.

Submission:

Labcorp Genetics (formerly Invitae), Labcorp
Classification: Uncertain significance. Last evaluated: 2022-05-28. Review status: criteria provided, single submitter. Criteria: Invitae Variant Classification Sherloc (09022015). Collection method: clinical testing. Allele origin: germline.
Comment: In summary, the available evidence is currently insufficient to determine the role of this variant in disease. Therefore, it has been classified as a Variant of Uncertain Significance. Algorithms developed to predict the effect of missense changes on protein structure and function output the following: SIFT: "Not Available"; PolyPhen-2: "Benign"; Align-GVGD: "Not Available". The histidine amino acid residue is found in multiple mammalian species, which suggests that this missense change does not adversely affect protein function. This variant has not been reported in the literature in individuals affected with ADAMTS18-related conditions. This variant is present in population databases (rs772735876, gnomAD 0.004%). This sequence change replaces arginine, which is basic and polar, with histidine, which is basic and polar, at codon 215 of the ADAMTS18 protein (p.Arg215His).

NM_199355.4(ADAMTS18):c.644G>A (p.Arg215His)

Gene: ADAMTS18 (ADAM metallopeptidase with thrombospondin type 1 motif 18; minus strand). Cytogenetic location: 16q23.1.
Variant type: single nucleotide variant.
Coding change: c.644G>A on transcript NM_199355.4 (MANE Select); coding-DNA position 644, G replaced by A.
Protein change: p.Arg215His; replaces arginine 215 with histidine.
Molecular consequence: missense variant.
Genome position (GRCh38, 1-based): chr16:77,367,575, C>T on the plus strand (G>A on the coding strand, the complement: ADAMTS18 is on the minus strand). VCF-style: chr16-77367575-C-T. GRCh37 (hg19) VCF-style: chr16-77401472-C-T.
Other names: c.124G>A, p.Val42Met (NM_001326358.2); short protein forms R215H, V42M.
Identifiers: ClinVar variation 2176432 (VCV002176432.3), dbSNP rs772735876, ClinGen allele CA8181612.
Genomic context (GRCh38, chr16:77,367,575, plus strand): 5'-GCATGGGGAATGTGACTTGGGGAGTAACCAGGATAATTCCGGCCAGAGCCGGGGTAGCCA[C>T]GGTACCGCTGGATCTTCTCCTCTGCTGTCCTTTTGTACAGTACGTGAGGATGGTGACCCG-3'
Protein context (NP_955387.1, residues 205-225): RTAEEKIQRY[Arg215His]GYPGSGRNYP